The following is an entry in ClinVar:

ClinVar aggregate classification (germline): Pathogenic (1 of 4 stars; one submission).

Conditions:
Ataxia-telangiectasia syndrome (AT). Also called: Ataxia-telangiectasia, complementation group E; Ataxia telangiectasia (A-T); LOUIS-BAR SYNDROME; Ataxia-telangiectasia, complementation group D; AT, COMPLEMENTATION GROUP C; Ataxia-telangiectasia. Identifiers: Orphanet 100, MedGen C0004135, MONDO:0008840, OMIM 208900.

Submission:

Labcorp Genetics (formerly Invitae), Labcorp
Classification: Pathogenic for Ataxia-telangiectasia syndrome. Last evaluated: 2022-10-27. Review status: criteria provided, single submitter. Criteria: Invitae Variant Classification Sherloc (09022015). Collection method: clinical testing. Allele origin: germline.
Comment: This variant is a gross deletion of the genomic region encompassing exon(s) 10-13 of the ATM gene. This deletion is out-of-frame, and is expected to create a premature termination codon and result in an absent or disrupted protein product. Loss-of-function variants in ATM are known to be pathogenic (PMID: 23807571, 25614872). This variant has not been reported in the literature in individuals affected with ATM-related conditions. For these reasons, this variant has been classified as Pathogenic.

Literature cited by the submitters: PubMed 23807571; PubMed 25614872.

NC_000011.10:g.(?_108250691)_(108254049_?)del

Gene: ATM (ATM serine/threonine kinase; plus strand). Cytogenetic location: 11q22.3.
Variant type: Deletion.
Identifiers: ClinVar variation 833015 (VCV000833015.5).